The following is an entry in ClinVar:

ClinVar aggregate classification (germline): Benign. Review status: criteria provided, multiple submitters, no conflicts (2 of 4 stars). 10 submissions from 7 submitters: Benign (10). Last evaluated 2026-02-04.

Conditions:
Laryngo-onycho-cutaneous syndrome (JEB2C). Also called: SHABBIR SYNDROME; LOGIC SYNDROME; EPIDERMOLYSIS BULLOSA, JUNCTIONAL 2C, LARYNGOONYCHOCUTANEOUS. Identifiers: Orphanet 2407, MedGen C1328355, MONDO:0009513, OMIM 245660.
Junctional epidermolysis bullosa, non-Herlitz type. Also called: Adult junctional epidermolysis bullosa; COL17A1-Related Junctional Epidermolysis Bullosa; Epidermolysis bullosa, junctional, non-herlitz type, somatic mosaic revertant; EPIDERMOLYSIS BULLOSA JUNCTIONALIS, DISENTIS TYPE; EPIDERMOLYSIS BULLOSA JUNCTIONALIS, NON-HERLITZ TYPE; EPIDERMOLYSIS BULLOSA JUNCTIONALIS, PROGRESSIVE. Identifiers: Orphanet 251393, Orphanet 79402, Orphanet 79405, Orphanet 89840, MedGen C0268374, MONDO:0009180, OMIM 226650.
Junctional epidermolysis bullosa gravis of Herlitz. Also called: Epidermolysis Bullosa Letalis; EPIDERMOLYSIS BULLOSA JUNCTIONALIS, HERLITZ TYPE; EPIDERMOLYSIS BULLOSA, JUNCTIONAL, HERLITZ-PEARSON TYPE; JEB-HERLITZ TYPE; EPIDERMOLYSIS BULLOSA, JUNCTIONAL 1B, SEVERE; Herlitz-type junctional epidermolysis bullosa. Identifiers: Orphanet 79404, MedGen C0079683, MONDO:0009182, OMIM 226700.

Allele frequency attached by ClinVar (database versions not stated): TOPMed 0.13973; 1000 Genomes Project 30x 0.14210; ESP Exome Variant Server 0.14586; 1000 Genomes Project 0.14836; gnomAD 0.15145 and 0.15618; ExAC 0.18603; gnomAD exomes 0.19006 and 0.20172.
gnomAD v4.1: 317,203 of 1,613,476 alleles (20%); highest among the groups gnomAD compares: South Asian, 24%; 32,634 homozygotes.

Submissions (10):

Labcorp Genetics (formerly Invitae), Labcorp
Classification: Benign. Last evaluated: 2026-02-04. Review status: criteria provided, single submitter. Criteria: Invitae Variant Classification Sherloc (09022015). Collection method: clinical testing. Allele origin: germline.

Genome-Nilou Lab
Classification: Benign for Junctional epidermolysis bullosa, non-Herlitz type. Last evaluated: 2021-07-10. Review status: criteria provided, single submitter. Criteria: ACMG Guidelines, 2015. Collection method: clinical testing. Allele origin: germline. Affected: no.

Genome-Nilou Lab
Classification: Benign for Junctional epidermolysis bullosa gravis of Herlitz. Last evaluated: 2021-07-10. Review status: criteria provided, single submitter. Criteria: ACMG Guidelines, 2015. Collection method: clinical testing. Allele origin: germline. Affected: no.

Genome-Nilou Lab
Classification: Benign for Laryngo-onycho-cutaneous syndrome. Last evaluated: 2021-07-10. Review status: criteria provided, single submitter. Criteria: ACMG Guidelines, 2015. Collection method: clinical testing. Allele origin: germline. Affected: no.

Illumina Laboratory Services, Illumina
Classification: Benign for Laryngo-onycho-cutaneous syndrome. Last evaluated: 2018-01-13. Review status: criteria provided, single submitter. Criteria: ICSL Variant Classification Criteria 13 December 2019. Collection method: clinical testing. Allele origin: germline.
Comment: This variant was observed in the ICSL laboratory as part of a predisposition screen in an ostensibly healthy population. It had not been previously curated by ICSL or reported in the Human Gene Mutation Database (HGMD: prior to June 1st, 2018), and was therefore a candidate for classification through an automated scoring system. Utilizing variant allele frequency, disease prevalence and penetrance estimates, and inheritance mode, an automated score was calculated to assess if this variant is too frequent to cause the disease. Based on the score and internal cut-off values, a variant classified as benign is not then subjected to further curation. The score for this variant resulted in a classification of benign for this disease.

Illumina Laboratory Services, Illumina
Classification: Benign for Junctional epidermolysis bullosa gravis of Herlitz. Last evaluated: 2018-01-13. Review status: criteria provided, single submitter. Criteria: ICSL Variant Classification Criteria 13 December 2019. Collection method: clinical testing. Allele origin: germline.
Comment: the same text as in the submission from Illumina Laboratory Services, Illumina above.

Laboratory for Molecular Medicine, Mass General Brigham Personalized Medicine
Classification: Benign. Last evaluated: 2016-03-29. Review status: criteria provided, single submitter. Criteria: LMM Criteria. Collection method: clinical testing. Allele origin: germline.
Comment: Variant identified in a genome or exome case(s) and assessed due to predicted null impact of the variant or pathogenic assertions in the literature or databases. Disclaimer: This variant has not undergone full assessment. The following are preliminary notes: Frequency

GeneDx
Classification: Benign. Last evaluated: 2015-03-03. Review status: criteria provided, single submitter. Criteria: GeneDx Variant Classification Process June 2021. Collection method: clinical testing. Allele origin: germline. Affected: yes.

Breakthrough Genomics
Classification: Benign. Review status: criteria provided, single submitter. Criteria: ACMG Guidelines, 2015. Collection method: not provided. Allele origin: germline. Inheritance: Autosomal recessive inheritance. Affected: yes.

PreventionGenetics, part of Exact Sciences
Classification: Benign. Review status: criteria provided, single submitter. Criteria: ACMG Guidelines, 2015. Collection method: clinical testing. Allele origin: germline.

NM_198129.4(LAMA3):c.8731C>T (p.Leu2911=)

Gene: LAMA3 (laminin subunit alpha 3; plus strand). Cytogenetic location: 18q11.2.
Variant type: single nucleotide variant.
Coding change: c.8731C>T on transcript NM_198129.4 (MANE Select); coding-DNA position 8731, C replaced by T.
Protein change: p.Leu2911=; no amino-acid change (leucine 2911 retained).
Molecular consequence: synonymous variant.
Genome position (GRCh38, 1-based): chr18:23,933,804, C>T. VCF-style: chr18-23933804-C-T. GRCh37 (hg19) VCF-style: chr18-21513768-C-T.
Other names: c.3904C>T, p.Leu1302= (NM_000227.6); c.8563C>T, p.Leu2855= (NM_001127717.4); c.3736C>T, p.Leu1246= (NM_001127718.4).
Identifiers: ClinVar variation 255578 (VCV000255578.22), dbSNP rs1131521, ClinGen allele CA8917003.